The following is an entry in ClinVar:

NM_152393.4(KLHL40):c.997C>G (p.Pro333Ala)

Gene: KLHL40 (kelch like family member 40; plus strand). Cytogenetic location: 3p22.1.
Variant type: single nucleotide variant.
Coding change: c.997C>G on transcript NM_152393.4 (MANE Select); coding-DNA position 997, C replaced by G.
Protein change: p.Pro333Ala; replaces proline 333 with alanine.
Molecular consequence: missense variant.
Genome position (GRCh38, 1-based): chr3:42,686,615, C>G. VCF-style: chr3-42686615-C-G. GRCh37 (hg19) VCF-style: chr3-42728107-C-G.
Other names: short protein forms P333A.
Identifiers: ClinVar variation 999456 (VCV000999456.2), dbSNP rs1360434714, ClinGen allele CA352292163.

ClinVar aggregate classification (germline): Uncertain significance (1 of 4 stars; one submission).

Conditions:
Nemaline myopathy 8 (NEM8). Also called: Nemaline myopathy 8, autosomal recessive. Identifiers: Orphanet 171430, MedGen C3809209, MONDO:0014138, OMIM 615348.

Allele frequency attached by ClinVar (database versions not stated): TOPMed 0.00001.

Submission:

Labcorp Genetics (formerly Invitae), Labcorp
Classification: Uncertain significance for Nemaline myopathy 8. Last evaluated: 2022-07-26. Review status: criteria provided, single submitter. Criteria: Invitae Variant Classification Sherloc (09022015). Collection method: clinical testing. Allele origin: germline.
Comment: This sequence change replaces proline, which is neutral and non-polar, with alanine, which is neutral and non-polar, at codon 333 of the KLHL40 protein (p.Pro333Ala). This variant is not present in population databases (gnomAD no frequency). This variant has not been reported in the literature in individuals affected with KLHL40-related conditions. ClinVar contains an entry for this variant (Variation ID: 999456). Algorithms developed to predict the effect of missense changes on protein structure and function (SIFT, PolyPhen-2, Align-GVGD) all suggest that this variant is likely to be disruptive. In summary, the available evidence is currently insufficient to determine the role of this variant in disease. Therefore, it has been classified as a Variant of Uncertain Significance.